The following is an entry in ClinVar:

ClinVar aggregate classification (germline): Conflicting classifications of pathogenicity. Review status: criteria provided, conflicting classifications (1 of 4 stars). 2 submissions from 2 submitters: Uncertain significance (1); Likely benign (1). Last evaluated 2024-09-26.

Conditions:
Epileptic encephalopathy. Identifiers: MedGen C0543888, HP:0200134.
Inborn genetic diseases. Identifiers: MedGen C0950123, MeSH D030342.

Allele frequency attached by ClinVar (database versions not stated): gnomAD exomes below 0.00001; gnomAD 0.00002; ExAC 0.00006; 1000 Genomes Project 30x 0.00016; 1000 Genomes Project 0.00020.
gnomAD v4.1: 7 of 1,607,578 alleles (0.00044%); highest among the groups gnomAD compares: East Asian, 0.016%; no homozygotes.

Submissions (2):

Labcorp Genetics (formerly Invitae), Labcorp
Classification: Uncertain significance for Epileptic encephalopathy. Last evaluated: 2024-09-26. Review status: criteria provided, single submitter. Criteria: Invitae Variant Classification Sherloc (09022015). Collection method: clinical testing. Allele origin: germline.
Comment: This sequence change replaces leucine, which is neutral and non-polar, with phenylalanine, which is neutral and non-polar, at codon 854 of the GABBR2 protein (p.Leu854Phe). This variant is present in population databases (rs547813684, gnomAD 0.05%). This variant has not been reported in the literature in individuals affected with GABBR2-related conditions. ClinVar contains an entry for this variant (Variation ID: 2036250). An algorithm developed to predict the effect of missense changes on protein structure and function (PolyPhen-2) suggests that this variant is likely to be disruptive. In summary, the available evidence is currently insufficient to determine the role of this variant in disease. Therefore, it has been classified as a Variant of Uncertain Significance.

Ambry Genetics
Classification: Likely benign for Inborn genetic diseases. Last evaluated: 2022-06-30. Review status: criteria provided, single submitter. Criteria: Ambry Variant Classification Scheme 2023. Collection method: clinical testing. Allele origin: germline.

NM_005458.8(GABBR2):c.2562A>T (p.Leu854Phe)

Gene: GABBR2 (gamma-aminobutyric acid type B receptor subunit 2; minus strand). Cytogenetic location: 9q22.33.
Variant type: single nucleotide variant.
Coding change: c.2562A>T on transcript NM_005458.8 (MANE Select); coding-DNA position 2562, A replaced by T.
Protein change: p.Leu854Phe; replaces leucine 854 with phenylalanine.
Molecular consequence: missense variant.
Genome position (GRCh38, 1-based): chr9:98,293,883, T>A on the plus strand (A>T on the coding strand, the complement: GABBR2 is on the minus strand). VCF-style: chr9-98293883-T-A. GRCh37 (hg19) VCF-style: chr9-101056165-T-A.
Other names: short protein forms L854F.
Identifiers: ClinVar variation 2036250 (VCV002036250.5), dbSNP rs547813684, ClinGen allele CA5152426.